The following is an entry in ClinVar:

NM_002160.4(TNC):c.1156C>T (p.Arg386Cys)

Gene: TNC (tenascin C; minus strand). Cytogenetic location: 9q33.1.
Variant type: single nucleotide variant.
Coding change: c.1156C>T on transcript NM_002160.4 (MANE Select); coding-DNA position 1156, C replaced by T.
Protein change: p.Arg386Cys; replaces arginine 386 with cysteine.
Molecular consequence: missense variant.
Genome position (GRCh38, 1-based): chr9:115,086,575, G>A on the plus strand (C>T on the coding strand, the complement: TNC is on the minus strand). VCF-style: chr9-115086575-G-A. GRCh37 (hg19) VCF-style: chr9-117848854-G-A.
Other names: c.1156C>T, p.Arg386Cys (NM_001410991.1, NM_001439065.1, NM_001439066.1 and 35 more transcripts); short protein forms R386C.
Identifiers: ClinVar variation 4980224 (VCV004980224.1).
Genomic context (GRCh38, chr9:115,086,575, plus strand): 5'-GCTCCCCACAGTCAGCTCCAGTGAAACCATCATCACACTCACACCGCCCGTCTACACAGC[G>A]GCCACGATTGTGACAGTCAGCAGGACACCTCTTCTCGCTGCAGTCCACACCGGCAAAGCC-3'
Protein context (NP_002151.2, residues 376-396): RCPADCHNRG[Arg386Cys]CVDGRCECDD

ClinVar aggregate classification (germline): Uncertain significance (1 of 4 stars; one submission).

Conditions:
TNC-related disorder. Also called: TNC-related condition.

gnomAD v4.1: 16 of 1,614,046 alleles (0.00099%); highest among the groups gnomAD compares: Middle Eastern, 0.016%; no homozygotes.

Submission:

PreventionGenetics, part of Exact Sciences
Classification: Uncertain significance for TNC-related condition. Last evaluated: 2026-03-06. Review status: criteria provided, single submitter. Criteria: ACMG Guidelines, 2015. Collection method: clinical testing. Allele origin: germline.
Comment: The TNC c.1156C>T variant is predicted to result in the amino acid substitution p.Arg386Cys. To our knowledge, this variant has not been reported in the literature. This variant is reported in 0.0050% of alleles in individuals of East Asian descent in gnomAD. At this time, the clinical significance of this variant is uncertain due to the absence of conclusive functional and genetic evidence.